The following is an entry in ClinVar:

ClinVar aggregate classification (germline): Uncertain significance. Review status: criteria provided, multiple submitters, no conflicts (2 of 4 stars). 4 submissions from 4 submitters: Uncertain significance (4). Last evaluated 2025-12-15.

Conditions:
Inborn genetic diseases. Identifiers: MedGen C0950123, MeSH D030342.
Epidermolysis bullosa simplex 5B, with muscular dystrophy (EBS5B). Also called: EPIDERMOLYSIS BULLOSA SIMPLEX AND LIMB-GIRDLE MUSCULAR DYSTROPHY; Epidermolysis bullosa simplex with muscular dystrophy. Identifiers: Orphanet 257, MedGen C2931072, MONDO:0009181, OMIM 226670.
Epidermolysis bullosa simplex, Ogna type (EBS5A). Also called: Pidermolysis bullosa simplex 5A, Ogna type; EPIDERMOLYSIS BULLOSA SIMPLEX 5A, OGNA TYPE. Identifiers: Orphanet 79401, MedGen C0432317, MONDO:0007555, OMIM 131950.
Epidermolysis bullosa simplex 5C, with pyloric atresia (EBS5C). Also called: PLEC1-Related Epidermolysis Bullosa with Pyloric Atresia; PLEC-Related Epidermolysis Bullosa with Pyloric Atresia; Epidermolysis bullosa simplex with pyloric atresia. Identifiers: Orphanet 158684, MedGen C2677349, MONDO:0012807, OMIM 612138.
Epidermolysis bullosa simplex with nail dystrophy (EBS5D). Identifiers: MedGen C4225309, MONDO:0014661, OMIM 616487.
Autosomal recessive limb-girdle muscular dystrophy type 2Q (LGMDR17). Also called: MUSCULAR DYSTROPHY, LIMB-GIRDLE, AUTOSOMAL RECESSIVE 17. Identifiers: Orphanet 254361, MedGen C3150989, MONDO:0013390, OMIM 613723.

Allele frequency attached by ClinVar (database versions not stated): ExAC 0.00003; gnomAD exomes 0.00003; TOPMed 0.00004; gnomAD 0.00005 and 0.00006.
gnomAD v4.1: 43 of 1,583,602 alleles (0.0027%); highest among the groups gnomAD compares: African/African-American, 0.0094%; no homozygotes.

Submissions (4):

Labcorp Genetics (formerly Invitae), Labcorp
Classification: Uncertain significance for Autosomal recessive limb-girdle muscular dystrophy type 2Q; Epidermolysis bullosa simplex, Ogna type; Epidermolysis bullosa simplex with nail dystrophy; Epidermolysis bullosa simplex 5C, with pyloric atresia; Epidermolysis bullosa simplex 5B, with muscular dystrophy. Last evaluated: 2025-12-15. Review status: criteria provided, single submitter. Criteria: Invitae Variant Classification Sherloc (09022015). Collection method: clinical testing. Allele origin: germline.
Comment: This sequence change replaces valine, which is neutral and non-polar, with isoleucine, which is neutral and non-polar, at codon 896 of the PLEC protein (p.Val896Ile). The frequency data for this variant in the population databases is considered unreliable, as metrics indicate poor data quality at this position in the gnomAD database. This variant has not been reported in the literature in individuals affected with PLEC-related conditions. ClinVar contains an entry for this variant (Variation ID: 538987). Invitae Evidence Modeling of protein sequence and biophysical properties (such as structural, functional, and spatial information, amino acid conservation, physicochemical variation, residue mobility, and thermodynamic stability) indicates that this missense variant is not expected to disrupt PLEC protein function with a negative predictive value of 80%. In summary, the available evidence is currently insufficient to determine the role of this variant in disease. Therefore, it has been classified as a Variant of Uncertain Significance.

Ambry Genetics
Classification: Uncertain significance for Inborn genetic diseases. Last evaluated: 2025-08-06. Review status: criteria provided, single submitter. Criteria: Ambry Variant Classification Scheme 2023. Collection method: clinical testing. Allele origin: germline.

CeGaT Center for Human Genetics Tuebingen
Classification: Uncertain significance. Last evaluated: 2024-01-01. Review status: criteria provided, single submitter. Criteria: CeGaT Center For Human Genetics Tuebingen Variant Classification Criteria Version 2. Collection method: clinical testing. Allele origin: germline. Affected: yes. Observed: 1 variant allele.
Comment: PLEC: PM2

Revvity Omics, Revvity
Classification: Uncertain significance. Last evaluated: 2021-09-15. Review status: criteria provided, single submitter. Criteria: ACMG Guidelines, 2015. Collection method: clinical testing. Allele origin: germline.

NM_201384.3(PLEC):c.2605G>A (p.Val869Ile)

Gene: PLEC (plectin; minus strand). Cytogenetic location: 8q24.3.
Variant type: single nucleotide variant.
Coding change: c.2605G>A on transcript NM_201384.3 (MANE Select); coding-DNA position 2605, G replaced by A.
Protein change: p.Val869Ile; replaces valine 869 with isoleucine.
Molecular consequence: missense variant.
Genome position (GRCh38, 1-based): chr8:143,930,151, C>T on the plus strand (G>A on the coding strand, the complement: PLEC is on the minus strand). VCF-style: chr8-143930151-C-T. GRCh37 (hg19) VCF-style: chr8-145004319-C-T.
Other names: c.2686G>A (NM_000445.3); c.2686G>A, p.Val896Ile (NM_000445.5); c.2563G>A, p.Val855Ile (NM_201378.4); c.2539G>A, p.Val847Ile (NM_201379.3); c.3016G>A, p.Val1006Ile (NM_201380.4); c.2509G>A, p.Val837Ile (NM_201381.3); c.2605G>A, p.Val869Ile (NM_201382.4); c.2617G>A, p.Val873Ile (NM_201383.3); short protein forms V855I, V869I, V1006I, V837I, V896I, V847I, V873I.
Identifiers: ClinVar variation 538987 (VCV000538987.33), dbSNP rs782050689, ClinGen allele CA4927466.